The following is an entry in ClinVar:

ClinVar aggregate classification (germline): Uncertain significance (1 of 4 stars; one submission).

Conditions:
Primary ciliary dyskinesia. Also called: Ciliary dyskinesia. Identifiers: Orphanet 244, MedGen C0008780, MONDO:0016575, HP:0012265.

Allele frequency attached by ClinVar (database versions not stated): gnomAD 0.00001.
gnomAD v4.1: 1 of 1,611,918 alleles (0.000062%); highest among the groups gnomAD compares: African/African-American, 0.0013%; no homozygotes.

Submission:

Labcorp Genetics (formerly Invitae), Labcorp
Classification: Uncertain significance for Primary ciliary dyskinesia. Last evaluated: 2017-11-05. Review status: criteria provided, single submitter. Criteria: Invitae Variant Classification Sherloc (09022015). Collection method: clinical testing. Allele origin: germline.
Comment: In summary, the available evidence is currently insufficient to determine the role of this variant in disease. Therefore, it has been classified as a Variant of Uncertain Significance. Algorithms developed to predict the effect of missense changes on protein structure and function (SIFT, PolyPhen-2, Align-GVGD) all suggest that this variant is likely to be disruptive, but these predictions have not been confirmed by published functional studies and their clinical significance is uncertain. This variant has not been reported in the literature in individuals with DNAAF1-related disease. This variant is not present in population databases (ExAC no frequency). This sequence change replaces leucine with proline at codon 191 of the DNAAF1 protein (p.Leu191Pro). The leucine residue is highly conserved and there is a moderate physicochemical difference between leucine and proline.

NM_178452.6(DNAAF1):c.572T>C (p.Leu191Pro)

Gene: DNAAF1 (dynein axonemal assembly factor 1; plus strand). Cytogenetic location: 16q24.1.
Variant type: single nucleotide variant.
Coding change: c.572T>C on transcript NM_178452.6 (MANE Select); coding-DNA position 572, T replaced by C.
Protein change: p.Leu191Pro; replaces leucine 191 with proline.
Molecular consequence: missense variant.
Genome position (GRCh38, 1-based): chr16:84,154,796, T>C. VCF-style: chr16-84154796-T-C. GRCh37 (hg19) VCF-style: chr16-84188401-T-C.
Other names: short protein forms L191P.
Identifiers: ClinVar variation 525253 (VCV000525253.9), dbSNP rs1555521180, ClinGen allele CA396943303.
Genomic context (GRCh38, chr16:84,154,796, plus strand): 5'-CTCTGCAGAAACTGGATGCTCTTAACCTCAGCAACAATTACATCAAGACCATTGAAAACC[T>C]CTGTAAGGGTACCCAGCAAGCAGTGTGTCTGTTTGCCATATGTCCATCACCTTCCCCTGA-3'
Protein context (NP_848547.4, residues 181-201): SNNYIKTIEN[Leu191Pro]SCLPVLNTLQ